The following is an entry in ClinVar:

NM_015512.5(DNAH1):c.563G>A (p.Arg188His)

Gene: DNAH1 (dynein axonemal heavy chain 1; plus strand). Cytogenetic location: 3p21.1.
Variant type: single nucleotide variant.
Coding change: c.563G>A on transcript NM_015512.5 (MANE Select); coding-DNA position 563, G replaced by A.
Protein change: p.Arg188His; replaces arginine 188 with histidine.
Molecular consequence: missense variant.
Genome position (GRCh38, 1-based): chr3:52,326,296, G>A. VCF-style: chr3-52326296-G-A. GRCh37 (hg19) VCF-style: chr3-52360312-G-A.
Other names: short protein forms R188H.
Identifiers: ClinVar variation 2142441 (VCV002142441.3), dbSNP rs200051758, ClinGen allele CA2432675.

ClinVar aggregate classification (germline): Uncertain significance (1 of 4 stars; one submission).

Conditions:
Spermatogenic failure 18. Identifiers: MedGen C4539783, MONDO:0054615, OMIM 617576.
Ciliary dyskinesia, primary, 37 (CILD37). Also called: CILIARY DYSKINESIA, PRIMARY, 37, WITH OR WITHOUT SITUS INVERSUS. Identifiers: MedGen C4539798, MONDO:0033204, OMIM 617577.

Allele frequency attached by ClinVar (database versions not stated): TOPMed below 0.00001; gnomAD 0.00001; gnomAD exomes 0.00001; ExAC 0.00003.

Submission:

Labcorp Genetics (formerly Invitae), Labcorp
Classification: Uncertain significance for Ciliary dyskinesia, primary, 37; Spermatogenic failure 18. Last evaluated: 2024-01-19. Review status: criteria provided, single submitter. Criteria: Invitae Variant Classification Sherloc (09022015). Collection method: clinical testing. Allele origin: germline.
Comment: This sequence change replaces arginine, which is basic and polar, with histidine, which is basic and polar, at codon 188 of the DNAH1 protein (p.Arg188His). This variant is present in population databases (rs200051758, gnomAD 0.006%). This variant has not been reported in the literature in individuals affected with DNAH1-related conditions. ClinVar contains an entry for this variant (Variation ID: 2142441). An algorithm developed to predict the effect of missense changes on protein structure and function (PolyPhen-2) suggests that this variant is likely to be disruptive. In summary, the available evidence is currently insufficient to determine the role of this variant in disease. Therefore, it has been classified as a Variant of Uncertain Significance.